The following is an entry in ClinVar:

NM_001371928.1(AHDC1):c.732C>G (p.Ile244Met)

Gene: AHDC1 (AT-hook DNA binding motif containing 1; minus strand). Cytogenetic location: 1p36.11.
Variant type: single nucleotide variant.
Coding change: c.732C>G on transcript NM_001371928.1 (MANE Select); coding-DNA position 732, C replaced by G.
Protein change: p.Ile244Met; replaces isoleucine 244 with methionine.
Molecular consequence: missense variant.
Genome position (GRCh38, 1-based): chr1:27,551,384, G>C on the plus strand (C>G on the coding strand, the complement: AHDC1 is on the minus strand). VCF-style: chr1-27551384-G-C. GRCh37 (hg19) VCF-style: chr1-27877895-G-C.
Other names: c.732C>G, p.Ile244Met (NM_001029882.3); short protein forms I244M.
Identifiers: ClinVar variation 1033215 (VCV001033215.1), dbSNP rs2019549871, ClinGen allele CA339236320.

ClinVar aggregate classification (germline): Uncertain significance (1 of 4 stars; one submission).

Conditions:
AHDC1-related intellectual disability - obstructive sleep apnea - mild dysmorphism syndrome. Also called: Xia-Gibbs syndrome. Identifiers: Orphanet 412069, MedGen C4014419, MONDO:0014358, OMIM 615829.

Allele frequency attached by ClinVar (database versions not stated): TOPMed below 0.00001.

Submission:

Baylor Genetics
Classification: Uncertain significance for AHDC1-related intellectual disability - obstructive sleep apnea - mild dysmorphism syndrome. Last evaluated: 2018-08-16. Review status: criteria provided, single submitter. Criteria: ACMG Guidelines, 2015. Collection method: clinical testing. Allele origin: unknown. Affected: yes.
Comment: This variant was determined to be of uncertain significance according to ACMG Guidelines, 2015 [PMID:25741868].